The following is an entry in ClinVar:

NM_007286.6(SYNPO):c.1568C>T (p.Thr523Ile)

Gene: SYNPO (synaptopodin; plus strand). Cytogenetic location: 5q33.1.
Variant type: single nucleotide variant.
Coding change: c.1568C>T on transcript NM_007286.6 (MANE Select); coding-DNA position 1568, C replaced by T.
Protein change: p.Thr523Ile; replaces threonine 523 with isoleucine.
Molecular consequence: missense variant.
Genome position (GRCh38, 1-based): chr5:150,649,843, C>T. VCF-style: chr5-150649843-C-T. GRCh37 (hg19) VCF-style: chr5-150029405-C-T.
Other names: c.2300C>T, p.Thr767Ile (NM_001166208.2, NM_001166209.2); c.1568C>T, p.Thr523Ile (NM_001109974.3); short protein forms T523I, T767I.
Identifiers: ClinVar variation 4178749 (VCV004178749.2).
Genomic context (GRCh38, chr5:150,649,843, plus strand): 5'-CAGAGCTGGCCCGCTGCCCATCACCTACCATGTCCCTGCCTTCCTCCTGGAAATACCCCA[C>T]TAACGCCCCCGGGGCCTTCCGAGTGGCATCCCGAAGCCCAGCCCGGACCCCGCCTGCCTC-3'
Protein context (NP_009217.3, residues 513-533): MSLPSSWKYP[Thr523Ile]NAPGAFRVAS

ClinVar aggregate classification (germline): Uncertain significance. Review status: criteria provided, multiple submitters, no conflicts (2 of 4 stars). 2 submissions from 2 submitters: Uncertain significance (2). Last evaluated 2025-10-06.

gnomAD v4.1: 38 of 1,608,934 alleles (0.0024%); highest among the groups gnomAD compares: South Asian, 0.021%; no homozygotes.

Submissions (2):

Labcorp Genetics (formerly Invitae), Labcorp
Classification: Uncertain significance. Last evaluated: 2025-10-06. Review status: criteria provided, single submitter. Criteria: Invitae Variant Classification Sherloc (09022015). Collection method: clinical testing. Allele origin: germline.
Comment: This sequence change replaces threonine, which is neutral and polar, with isoleucine, which is neutral and non-polar, at codon 523 of the SYNPO protein (p.Thr523Ile). This variant is present in population databases (rs140362114, gnomAD 0.03%). This variant has not been reported in the literature in individuals affected with SYNPO-related conditions. An algorithm developed to predict the effect of missense changes on protein structure and function (PolyPhen-2) suggests that this variant is likely to be disruptive. In summary, the available evidence is currently insufficient to determine the role of this variant in disease. Therefore, it has been classified as a Variant of Uncertain Significance.

Ambry Genetics
Classification: Uncertain significance. Last evaluated: 2025-08-05. Review status: criteria provided, single submitter. Criteria: Ambry Variant Classification Scheme 2023. Collection method: clinical testing. Allele origin: germline.